The following is an entry in ClinVar:

ClinVar aggregate classification (germline): Uncertain significance (1 of 4 stars; one submission).

gnomAD v4.1: 5 of 1,209,260 alleles (0.00041%); highest among the groups gnomAD compares: African/African-American, 0.0087%; no homozygotes.

Submission:

Labcorp Genetics (formerly Invitae), Labcorp
Classification: Uncertain significance. Last evaluated: 2024-03-07. Review status: criteria provided, single submitter. Criteria: Invitae Variant Classification Sherloc (09022015). Collection method: clinical testing. Allele origin: germline.
Comment: This sequence change replaces lysine, which is basic and polar, with arginine, which is basic and polar, at codon 106 of the SSR4 protein (p.Lys106Arg). This variant is not present in population databases (gnomAD no frequency). This variant has not been reported in the literature in individuals affected with SSR4-related conditions. Algorithms developed to predict the effect of missense changes on protein structure and function output the following: SIFT: "Not Available"; PolyPhen-2: "Not Available"; Align-GVGD: "Not Available". The arginine amino acid residue is found in multiple mammalian species, which suggests that this missense change does not adversely affect protein function. In summary, the available evidence is currently insufficient to determine the role of this variant in disease. Therefore, it has been classified as a Variant of Uncertain Significance.

NM_006280.3(SSR4):c.284A>G (p.Lys95Arg)

Gene: SSR4 (signal sequence receptor subunit 4; plus strand). Cytogenetic location: Xq28.
Variant type: single nucleotide variant.
Coding change: c.284A>G on transcript NM_006280.3 (MANE Select); coding-DNA position 284, A replaced by G.
Protein change: p.Lys95Arg; replaces lysine 95 with arginine.
Molecular consequence: missense variant.
Genome position (GRCh38, 1-based): chrX:153,797,747, A>G. VCF-style: chrX-153797747-A-G. GRCh37 (hg19) VCF-style: chrX-153063202-A-G.
Other names: c.317A>G, p.Lys106Arg (NM_001204526.2); c.308A>G, p.Lys103Arg (NM_001204527.2); short protein forms K95R, K103R, K106R.
Identifiers: ClinVar variation 3710329 (VCV003710329.2).